The following is an entry in ClinVar:

NM_032603.5(LOXL3):c.989C>T (p.Thr330Ile)

Gene: LOXL3 (lysyl oxidase like 3; minus strand). Cytogenetic location: 2p13.1.
Variant type: single nucleotide variant.
Coding change: c.989C>T on transcript NM_032603.5 (MANE Select); coding-DNA position 989, C replaced by T.
Protein change: p.Thr330Ile; replaces threonine 330 with isoleucine.
Molecular consequence: missense variant. On other transcripts: 5 prime UTR variant (1).
Genome position (GRCh38, 1-based): chr2:74,536,395, G>A on the plus strand (C>T on the coding strand, the complement: LOXL3 is on the minus strand). VCF-style: chr2-74536395-G-A. GRCh37 (hg19) VCF-style: chr2-74763522-G-A.
Other names: c.554C>T, p.Thr185Ile (NM_001289164.3); c.-95C>T (NM_001289165.2); short protein forms T330I, T185I.
Identifiers: ClinVar variation 2770694 (VCV002770694.3), dbSNP rs2529948007, ClinGen allele CA347390232.
Genomic context (GRCh38, chr2:74,536,395, plus strand): 5'-AAGCCCAGCTCCCGACACACCACGCTGGCTGCATGCAGGTCCCACTTGCGGTCACAGACT[G>A]TGCCCCATGTGCTGGCCTTCAGGACTTCTACCCGGCCCTCTCCAGGGTGGGCGCCGCCCT-3'
Protein context (NP_115992.1, residues 320-340): VEVLKASTWG[Thr330Ile]VCDRKWDLHA

ClinVar aggregate classification (germline): Uncertain significance (1 of 4 stars; one submission).

Submission:

Labcorp Genetics (formerly Invitae), Labcorp
Classification: Uncertain significance. Last evaluated: 2023-10-22. Review status: criteria provided, single submitter. Criteria: Invitae Variant Classification Sherloc (09022015). Collection method: clinical testing. Allele origin: germline.
Comment: This sequence change replaces threonine, which is neutral and polar, with isoleucine, which is neutral and non-polar, at codon 330 of the LOXL3 protein (p.Thr330Ile). This variant is not present in population databases (gnomAD no frequency). This variant has not been reported in the literature in individuals affected with LOXL3-related conditions. An algorithm developed to predict the effect of missense changes on protein structure and function (PolyPhen-2) suggests that this variant is likely to be disruptive. In summary, the available evidence is currently insufficient to determine the role of this variant in disease. Therefore, it has been classified as a Variant of Uncertain Significance.